The following is an entry in ClinVar:

ClinVar aggregate classification (germline): Uncertain significance (1 of 4 stars; one submission).

Submission:

Labcorp Genetics (formerly Invitae), Labcorp
Classification: Uncertain significance. Last evaluated: 2022-06-24. Review status: criteria provided, single submitter. Criteria: Invitae Variant Classification Sherloc (09022015). Collection method: clinical testing. Allele origin: germline.
Comment: In summary, the available evidence is currently insufficient to determine the role of this variant in disease. Therefore, it has been classified as a Variant of Uncertain Significance. Algorithms developed to predict the effect of missense changes on protein structure and function are either unavailable or do not agree on the potential impact of this missense change (SIFT: "Deleterious"; PolyPhen-2: "Probably Damaging"; Align-GVGD: "Class C0"). This variant has not been reported in the literature in individuals affected with TNRC6B-related conditions. This variant is not present in population databases (gnomAD no frequency). This sequence change replaces aspartic acid, which is acidic and polar, with asparagine, which is neutral and polar, at codon 1518 of the TNRC6B protein (p.Asp1518Asn).

NM_001162501.2(TNRC6B):c.4552G>A (p.Asp1518Asn)

Gene: TNRC6B (trinucleotide repeat containing adaptor 6B; plus strand). Cytogenetic location: 22q13.1.
Variant type: single nucleotide variant.
Coding change: c.4552G>A on transcript NM_001162501.2 (MANE Select); coding-DNA position 4552, G replaced by A.
Protein change: p.Asp1518Asn; replaces aspartic acid 1518 with asparagine.
Molecular consequence: missense variant.
Genome position (GRCh38, 1-based): chr22:40,312,621, G>A. VCF-style: chr22-40312621-G-A. GRCh37 (hg19) VCF-style: chr22-40708625-G-A.
Other names: c.2140G>A, p.Asp714Asn (NM_001024843.2); c.4222G>A, p.Asp1408Asn (NM_015088.3); short protein forms D714N, D1518N, D1408N.
Identifiers: ClinVar variation 1477076 (VCV001477076.8), dbSNP rs2146565747, ClinGen allele CA411667558.
Genomic context (GRCh38, chr22:40,312,621, plus strand): 5'-CCCTATGTCACCCCAGGAAGTGTGCTGGGGGGTACAGCCACATCTCCCATTGTAGATACT[G>A]ACCACCAACTGCTGCGGGATAACACCACAGGTACTTGAGCAAAGCATCTCTTATATGTTC-3'
Protein context (NP_001155973.1, residues 1508-1528): GTATSPIVDT[Asp1518Asn]HQLLRDNTTG